The following is an entry in ClinVar:

NM_001365536.1(SCN9A):c.5490G>C (p.Met1830Ile)

Genes: SCN1A-AS1 (SCN1A and SCN9A antisense RNA 1; plus strand), SCN9A (sodium voltage-gated channel alpha subunit 9; minus strand). Cytogenetic location: 2q24.3.
Variant type: single nucleotide variant.
Coding change: c.5490G>C on transcript NM_001365536.1 (MANE Select); coding-DNA position 5490, G replaced by C.
Protein change: p.Met1830Ile; replaces methionine 1830 with isoleucine.
Molecular consequence: missense variant.
Genome position (GRCh38, 1-based): chr2:166,199,149, C>G on the plus strand (G>C on the coding strand, the complement: SCN9A is on the minus strand). VCF-style: chr2-166199149-C-G. GRCh37 (hg19) VCF-style: chr2-167055659-C-G.
Other names: c.5457G>C, p.Met1819Ile (NM_002977.4); short protein forms M1830I, M1819I.
Identifiers: ClinVar variation 2934296 (VCV002934296.3), dbSNP rs200803311, ClinGen allele CA349052628.
Genomic context (GRCh38, chr2:166,199,149, plus strand): 5'-CAAAACACGCTTTGTAAAAGCAAATAAGATGTCAAGACAATGGATCCGGTCACCACTAAC[C>G]ATGGGCAGATCCATGGCAATGAGCTGGACTTTGTTGGGTTTTGCTATGAGAAGAGGAGGA-3'
Protein context (NP_001352465.1, residues 1820-1840): KVQLIAMDLP[Met1830Ile]VSGDRIHCLD

ClinVar aggregate classification (germline): Uncertain significance (1 of 4 stars; one submission).

Conditions:
Neuropathy, hereditary sensory and autonomic, type 2A (HSAN2A). Also called: MORVAN DISEASE; NEUROPATHY, CONGENITAL SENSORY; NEUROPATHY, HEREDITARY SENSORY RADICULAR, AUTOSOMAL RECESSIVE; NEUROPATHY, HEREDITARY SENSORY, TYPE IIA; NEUROPATHY, PROGRESSIVE SENSORY, OF CHILDREN; ACROOSTEOLYSIS, GIACCAI TYPE. Identifiers: Orphanet 970, MedGen C2752089, MONDO:0024309, OMIM 201300.
Generalized epilepsy with febrile seizures plus, type 7 (GEFSP7). Also called: GEFS+, TYPE 7. Identifiers: Orphanet 36387, MedGen C2751778, MONDO:0013470, OMIM 613863.

Allele frequency attached by ClinVar (database versions not stated): TOPMed below 0.00001; gnomAD 0.00001.

Submission:

Labcorp Genetics (formerly Invitae), Labcorp
Classification: Uncertain significance for Neuropathy, hereditary sensory and autonomic, type 2A; Generalized epilepsy with febrile seizures plus, type 7. Last evaluated: 2022-12-05. Review status: criteria provided, single submitter. Criteria: Invitae Variant Classification Sherloc (09022015). Collection method: clinical testing. Allele origin: germline.
Comment: This sequence change replaces methionine, which is neutral and non-polar, with isoleucine, which is neutral and non-polar, at codon 1819 of the SCN9A protein (p.Met1819Ile). This variant is present in population databases (no rsID available, gnomAD 0.0009%). In summary, the available evidence is currently insufficient to determine the role of this variant in disease. Therefore, it has been classified as a Variant of Uncertain Significance. Advanced modeling of protein sequence and biophysical properties (such as structural, functional, and spatial information, amino acid conservation, physicochemical variation, residue mobility, and thermodynamic stability) performed at Invitae indicates that this missense variant is not expected to disrupt SCN9A protein function. This variant has not been reported in the literature in individuals affected with SCN9A-related conditions.